The following is an entry in ClinVar:

NM_001122681.2(SH3BP2):c.749_750delinsTG (p.Ala250Val)

Gene: SH3BP2 (SH3 domain binding protein 2; plus strand). Cytogenetic location: 4p16.3.
Variant type: Indel.
Coding change: c.749_750delinsTG on transcript NM_001122681.2 (MANE Select); coding-DNA positions 749 to 750, CT replaced by TG.
Protein change: p.Ala250Val; replaces alanine 250 with valine.
Molecular consequence: missense variant.
Genome position (GRCh38, 1-based): chr4:2,829,655-2,829,656, CT replaced by TG. VCF-style: chr4-2829655-CT-TG. GRCh37 (hg19) VCF-style: chr4-2831382-CT-TG.
Other names: c.833_834delinsTG, p.Ala278Val (NM_001145855.2); c.920_921delinsTG, p.Ala307Val (NM_001145856.2); c.749_750delinsTG, p.Ala250Val (NM_003023.4); short protein forms A278V, A307V, A250V.
Identifiers: ClinVar variation 1926876 (VCV001926876.5), dbSNP rs2530348906, ClinGen allele CA2580070709.
Genomic context (GRCh38, chr4:2,829,655, plus strand): 5'-GCCCCGGTCCCCTACTGCCACCCCCGCCCCCTAAGCACGGCCTCCCAGATGTTGGCCTGG[CT>TG]GCTGAGGACTCCAAGAGGGACCCACTGTGCCCGAGGCGGGCTGAGCCTTGCCCCAGGGTA-3'
Protein context (NP_001116153.1, residues 240-260): PKHGLPDVGL[Ala250Val]AEDSKRDPLC

ClinVar aggregate classification (germline): Uncertain significance (1 of 4 stars; one submission).

Conditions:
Fibrous dysplasia of jaw (CRBM). Also called: Cherubism. Identifiers: Orphanet 184, MedGen C0008029, MONDO:0007315, OMIM 118400.

Submission:

Labcorp Genetics (formerly Invitae), Labcorp
Classification: Uncertain significance for Fibrous dysplasia of jaw. Last evaluated: 2025-09-06. Review status: criteria provided, single submitter. Criteria: Invitae Variant Classification Sherloc (09022015). Collection method: clinical testing. Allele origin: germline.
Comment: This sequence change replaces alanine, which is neutral and non-polar, with valine, which is neutral and non-polar, at codon 250 of the SH3BP2 protein (p.Ala250Val). The frequency data for this variant in the population databases is considered unreliable, as metrics indicate poor data quality at this position in the gnomAD database. This variant has not been reported in the literature in individuals affected with SH3BP2-related conditions. ClinVar contains an entry for this variant (Variation ID: 1926876). An algorithm developed to predict the effect of missense changes on protein structure and function (PolyPhen-2) suggests that this variant is likely to be tolerated. In summary, the available evidence is currently insufficient to determine the role of this variant in disease. Therefore, it has been classified as a Variant of Uncertain Significance.